The following is an entry in ClinVar:

NM_020066.5(FMN2):c.2200C>T (p.Arg734Trp)

Gene: FMN2 (formin 2; plus strand). Cytogenetic location: 1q43.
Variant type: single nucleotide variant.
Coding change: c.2200C>T on transcript NM_020066.5 (MANE Select); coding-DNA position 2200, C replaced by T.
Protein change: p.Arg734Trp; replaces arginine 734 with tryptophan.
Molecular consequence: missense variant. On other transcripts: intron variant (1).
Genome position (GRCh38, 1-based): chr1:240,207,012, C>T. VCF-style: chr1-240207012-C-T. GRCh37 (hg19) VCF-style: chr1-240370312-C-T.
Other names: c.1986+18750C>T (NM_001348094.2); c.2212C>T, p.Arg738Trp (NM_001305424.2); short protein forms R738W, R734W.
Identifiers: ClinVar variation 1033514 (VCV001033514.1), dbSNP rs145706266, ClinGen allele CA1476564.

ClinVar aggregate classification (germline): Uncertain significance (1 of 4 stars; one submission).

Conditions:
Intellectual developmental disorder, autosomal recessive 47. Also called: Intellectual disability, autosomal recessive 47. Identifiers: Orphanet 88616, MedGen C4015444, MONDO:0014524, OMIM 616193.

Allele frequency attached by ClinVar (database versions not stated): ExAC 0.00012; gnomAD exomes 0.00010; gnomAD 0.00020 and 0.00017; ESP Exome Variant Server 0.00054; TOPMed 0.00017.
gnomAD v4.1: 194 of 1,614,006 alleles (0.012%); highest among the groups gnomAD compares: Middle Eastern, 0.12%; no homozygotes.

Submission:

Baylor Genetics
Classification: Uncertain significance for Intellectual developmental disorder, autosomal recessive 47. Last evaluated: 2018-07-31. Review status: criteria provided, single submitter. Criteria: ACMG Guidelines, 2015. Collection method: clinical testing. Allele origin: unknown. Affected: yes.
Comment: This variant was determined to be of uncertain significance according to ACMG Guidelines, 2015 [PMID:25741868].